The following is an entry in ClinVar:

NM_020433.5(JPH2):c.586C>G (p.Pro196Ala)

Gene: JPH2 (junctophilin 2; minus strand). Cytogenetic location: 20q13.12.
Variant type: single nucleotide variant.
Coding change: c.586C>G on transcript NM_020433.5 (MANE Select); coding-DNA position 586, C replaced by G.
Protein change: p.Pro196Ala; replaces proline 196 with alanine.
Molecular consequence: missense variant.
Genome position (GRCh38, 1-based): chr20:44,160,201, G>C on the plus strand (C>G on the coding strand, the complement: JPH2 is on the minus strand). VCF-style: chr20-44160201-G-C. GRCh37 (hg19) VCF-style: chr20-42788841-G-C.
Other names: short protein forms P196A.
Identifiers: ClinVar variation 2985351 (VCV002985351.3), dbSNP rs1186898677, ClinGen allele CA409094088.

ClinVar aggregate classification (germline): Uncertain significance (1 of 4 stars; one submission).

Conditions:
Hypertrophic cardiomyopathy. Also called: HYPERTROPHIC MYOCARDIOPATHY. Identifiers: Orphanet 217569, MedGen C0007194, MeSH D002312, MONDO:0005045, HP:0001639.

Submission:

Labcorp Genetics (formerly Invitae), Labcorp
Classification: Uncertain significance for Hypertrophic cardiomyopathy. Last evaluated: 2023-04-10. Review status: criteria provided, single submitter. Criteria: Invitae Variant Classification Sherloc (09022015). Collection method: clinical testing. Allele origin: germline.
Comment: In summary, the available evidence is currently insufficient to determine the role of this variant in disease. Therefore, it has been classified as a Variant of Uncertain Significance. An algorithm developed to predict the effect of missense changes on protein structure and function (PolyPhen-2) suggests that this variant is likely to be tolerated. This variant has not been reported in the literature in individuals affected with JPH2-related conditions. This variant is not present in population databases (gnomAD no frequency). This sequence change replaces proline, which is neutral and non-polar, with alanine, which is neutral and non-polar, at codon 196 of the JPH2 protein (p.Pro196Ala).